The following is an entry in ClinVar:

ClinVar aggregate classification (germline): Uncertain significance (1 of 4 stars; one submission).

Allele frequency attached by ClinVar (database versions not stated): gnomAD exomes below 0.00001; gnomAD 0.00001; TOPMed 0.00001; ExAC 0.00002.
gnomAD v4.1: 4 of 1,597,274 alleles (0.00025%); highest among the groups gnomAD compares: South Asian, 0.0011%; no homozygotes.

Submission:

Labcorp Genetics (formerly Invitae), Labcorp
Classification: Uncertain significance. Last evaluated: 2025-12-30. Review status: criteria provided, single submitter. Criteria: Invitae Variant Classification Sherloc (09022015). Collection method: clinical testing. Allele origin: germline.
Comment: This sequence change falls in intron 16 of the CACNA2D4 gene. It does not directly change the encoded amino acid sequence of the CACNA2D4 protein. It affects a nucleotide within the consensus splice site. This variant is present in population databases (rs758846394, gnomAD 0.0009%). This variant has not been reported in the literature in individuals affected with CACNA2D4-related conditions. ClinVar contains an entry for this variant (Variation ID: 998984). Variants that disrupt the consensus splice site are a relatively common cause of aberrant splicing (PMID: 17576681, 9536098). Algorithms developed to predict the effect of sequence changes on RNA splicing suggest that this variant is not likely to affect RNA splicing. In summary, the available evidence is currently insufficient to determine the role of this variant in disease. Therefore, it has been classified as a Variant of Uncertain Significance.

Literature cited by the submitters: PubMed 17576681; PubMed 9536098.

NM_172364.5(CACNA2D4):c.1720-3C>T

Gene: CACNA2D4 (calcium voltage-gated channel auxiliary subunit alpha2delta 4; minus strand). Cytogenetic location: 12p13.33.
Variant type: single nucleotide variant.
Coding change: c.1720-3C>T on transcript NM_172364.5 (MANE Select); 3 bases into the intron before coding-DNA position 1720, C replaced by T.
Molecular consequence: intron variant.
Genome position (GRCh38, 1-based): chr12:1,875,340, G>A on the plus strand (C>T on the coding strand, the complement: CACNA2D4 is on the minus strand). VCF-style: chr12-1875340-G-A. GRCh37 (hg19) VCF-style: chr12-1984506-G-A.
Identifiers: ClinVar variation 998984 (VCV000998984.10), dbSNP rs758846394, ClinGen allele CA6387005.